The following is an entry in ClinVar:

NM_000183.3(HADHB):c.1390-2A>G

Gene: HADHB (hydroxyacyl-CoA dehydrogenase trifunctional multienzyme complex subunit beta; plus strand). Cytogenetic location: 2p23.3.
Variant type: single nucleotide variant.
Coding change: c.1390-2A>G on transcript NM_000183.3 (MANE Select); the canonical splice acceptor site of the intron before coding-DNA position 1390, A replaced by G.
Molecular consequence: splice acceptor variant.
Genome position (GRCh38, 1-based): chr2:26,289,916, A>G. VCF-style: chr2-26289916-A-G. GRCh37 (hg19) VCF-style: chr2-26512784-A-G.
Other names: c.1324-2A>G (NM_001281513.2); c.1345-2A>G (NM_001281512.2).
Identifiers: ClinVar variation 567720 (VCV000567720.8), dbSNP rs1297095534, ClinGen allele CA346097832.

ClinVar aggregate classification (germline): Conflicting classifications of pathogenicity. Review status: criteria provided, conflicting classifications (1 of 4 stars). 4 submissions from 4 submitters: Likely pathogenic (1); Uncertain significance (3). Last evaluated 2025-05-05.

Conditions:
Mitochondrial trifunctional protein deficiency 1 (MTPD1). Identifiers: MedGen CN376812, MONDO:0958181, OMIM 609015.
Inborn genetic diseases. Identifiers: MedGen C0950123, MeSH D030342.
Mitochondrial trifunctional protein deficiency. Identifiers: Orphanet 746, MedGen C1969443, MONDO:0012172.

Allele frequency attached by ClinVar (database versions not stated): gnomAD exomes below 0.00001; TOPMed below 0.00001; gnomAD 0.00001.
gnomAD v4.1: 3 of 1,603,872 alleles (0.00019%); highest among the groups gnomAD compares: African/African-American, 0.004%; no homozygotes.

Submissions (4):

Ambry Genetics
Classification: Uncertain significance for Inborn genetic diseases. Last evaluated: 2025-05-05. Review status: criteria provided, single submitter. Criteria: Ambry Variant Classification Scheme 2023. Collection method: clinical testing. Allele origin: germline.
Comment: The c.1390-2A>G intronic variant results from an A to G substitution two nucleotides before exon 16 (coding exon 15) of the HADHB gene. Alterations that disrupt the canonical splice site are expected to result in aberrant splicing. The resulting transcript is not expected to trigger nonsense-mediated mRNA decay, although direct evidence is unavailable. Based on data from gnomAD, the G allele has an overall frequency of 0.003% (1/31402) total alleles studied. The highest observed frequency was 0.012% (1/8714) of African alleles. This nucleotide position is highly conserved in available vertebrate species. In silico splice site analysis predicts that this alteration will weaken the native splice acceptor site. Based on insufficient or conflicting evidence, the clinical significance of this alteration remains unclear.

Labcorp Genetics (formerly Invitae), Labcorp
Classification: Uncertain significance for Mitochondrial trifunctional protein deficiency. Last evaluated: 2025-01-15. Review status: criteria provided, single submitter. Criteria: Invitae Variant Classification Sherloc (09022015). Collection method: clinical testing. Allele origin: germline.
Comment: This sequence change affects an acceptor splice site in intron 15 of the HADHB gene. While this variant is not anticipated to result in nonsense mediated decay, it likely alters RNA splicing and results in a disrupted protein product. This variant is present in population databases (no rsID available, gnomAD 0.01%). This variant has not been reported in the literature in individuals affected with HADHB-related conditions. ClinVar contains an entry for this variant (Variation ID: 567720). Variants that disrupt the consensus splice site are a relatively common cause of aberrant splicing (PMID: 17576681, 9536098). Algorithms developed to predict the effect of sequence changes on RNA splicing suggest that this variant may disrupt the consensus splice site. In summary, the available evidence is currently insufficient to determine the role of this variant in disease. Therefore, it has been classified as a Variant of Uncertain Significance.

Baylor Genetics
Classification: Likely pathogenic for Mitochondrial trifunctional protein deficiency 1. Last evaluated: 2023-11-11. Review status: criteria provided, single submitter. Criteria: ACMG Guidelines, 2015. Collection method: clinical testing. Allele origin: unknown.

GeneDx
Classification: Uncertain significance. Last evaluated: 2020-02-04. Review status: criteria provided, single submitter. Criteria: GeneDx Variant Classification Process June 2021. Collection method: clinical testing. Allele origin: germline. Affected: yes.
Comment: Has not been previously published as pathogenic or benign to our knowledge; Canonical splice site variant predicted to destroy the natural acceptor site and lead to abnormal gene splicing. However, in the absence of RNA/functional studies, the actual effect of this sequence change in this individual is unknown.; Not observed at a significant frequency in large population cohorts (Lek et al., 2016)

Literature cited by the submitters: PubMed 17576681 (cited by Labcorp Genetics (formerly Invitae), Labcorp); PubMed 9536098 (cited by Labcorp Genetics (formerly Invitae), Labcorp).